The following is an entry in ClinVar:

NM_007294.4(BRCA1):c.5585A>T (p.His1862Leu)

Gene: BRCA1 (BRCA1 DNA repair associated; minus strand). Cytogenetic location: 17q21.31.
Variant type: single nucleotide variant.
Coding change: c.5585A>T on transcript NM_007294.4 (MANE Select); coding-DNA position 5585, A replaced by T.
Protein change: p.His1862Leu; replaces histidine 1862 with leucine.
Molecular consequence: missense variant. On other transcripts: 3 prime UTR variant (1), non-coding transcript variant (1).
Genome position (GRCh38, 1-based): chr17:43,045,685, T>A on the plus strand (A>T on the coding strand, the complement: BRCA1 is on the minus strand). VCF-style: chr17-43045685-T-A. GRCh37 (hg19) VCF-style: chr17-41197702-T-A.
Other names: c.5444A>T, p.His1815Leu (NM_001407724.1, NM_001407725.1, NM_001407726.1 and 12 more transcripts); c.5441A>T, p.His1814Leu (NM_001407732.1, NM_001407733.1, NM_001407743.1 and 18 more transcripts); c.2009A>T, p.His670Leu (NM_001408503.1, NM_001408504.1, NM_001408502.1); c.2006A>T, p.His669Leu (NM_001408505.1); c.1949A>T, p.His650Leu (NM_001408506.1); c.1946A>T, p.His649Leu (NM_001408507.1); c.1937A>T, p.His646Leu (NM_001408508.1); c.1934A>T, p.His645Leu (NM_001408509.1); and 74 more; short protein forms H1862L, H1815L, H1883L, H758L, H1708L, H1751L, H1774L, H1790L.
Identifiers: ClinVar variation 55637 (VCV000055637.24), dbSNP rs80357183, ClinGen allele CA003734.

ClinVar aggregate classification (germline): Benign/Likely benign. Review status: criteria provided, multiple submitters, no conflicts (2 of 4 stars). 9 submissions from 9 submitters: Benign (2); Likely benign (5). 2 of the submissions do not count toward it. Last evaluated 2026-01-26.

Conditions:
Hereditary cancer-predisposing syndrome. Also called: Hereditary Cancer Syndrome; Hereditary neoplastic syndrome; Neoplastic Syndromes, Hereditary; Tumor predisposition. Identifiers: Orphanet 140162, MedGen C0027672, MeSH D009386, MONDO:0015356.
Familial cancer of breast. Also called: hereditary breast carcinoma; BREAST CANCER, FAMILIAL; Hereditary breast cancer. Identifiers: Orphanet 227535, MedGen C0346153, MONDO:0016419, OMIM 114480. Disease mechanism: loss of function.
Malignant tumor of breast. Also called: Cancer breast; Malignant breast neoplasm. Identifiers: MedGen C0006142, MONDO:0007254. Disease mechanism: loss of function.
Hereditary breast ovarian cancer syndrome. Also called: BRCA1- and BRCA2-Associated Hereditary Breast and Ovarian Cancer; Hereditary breast and ovarian cancer syndrome; Hereditary breast and ovarian cancer syndrome (HBOC); Breast and ovarian cancer; Hereditary breast and/or ovarian cancer syndrome; Hereditary breast and ovarian cancer. Identifiers: Orphanet 145, MedGen C0677776, MeSH D061325, MONDO:0003582. Disease mechanism: loss of function.
Breast-ovarian cancer, familial, susceptibility to, 1 (BROVCA1). Also called: BRCA1 Hereditary Breast and Ovarian Cancer; OVARIAN CANCER, SUSCEPTIBILITY TO. Identifiers: Orphanet 145, MedGen C2676676, MONDO:0011450, OMIM 604370. Disease mechanism: loss of function.

Allele frequency attached by ClinVar (database versions not stated): TOPMed below 0.00001; gnomAD 0.00001; gnomAD exomes below 0.00001 and 0.00001.

Submissions (9):

Labcorp Genetics (formerly Invitae), Labcorp
Classification: Benign for Hereditary breast ovarian cancer syndrome. Last evaluated: 2026-01-26. Review status: criteria provided, single submitter. Criteria: Invitae Variant Classification Sherloc (09022015). Collection method: clinical testing. Allele origin: germline.

Women's Health and Genetics/Laboratory Corporation of America, LabCorp
Classification: Likely benign. Last evaluated: 2025-04-15. Review status: criteria provided, single submitter. Criteria: LabCorp Variant Classification Summary - May 2015. Collection method: clinical testing. Allele origin: germline.
Comment: Variant summary: BRCA1 c.5585A>T (p.His1862Leu) results in a non-conservative amino acid change in the encoded protein sequence. Three of four in-silico tools predict a benign effect of the variant on protein function. The variant allele was found at a frequency of 7.8e-06 in 255042 control chromosomes. The available data on variant occurrences in the general population are insufficient to allow any conclusion about variant significance. To our knowledge, no occurrence of c.5585A>T in individuals affected with Hereditary Breast And Ovarian Cancer Syndrome has been reported. At least one functional study reports experimental evidence evaluating an impact on protein function and showed no damaging effect of this variant on homology directed repair (HDR) activity (e.g. Bouwman_2020). HDR assays qualify as a recognized gold standard on the basis of updated guidance provided by the ClinGen Sequence Variant Interpretation (SVI) working group. The following publications have been ascertained in the context of this evaluation (PMID: 32546644, 38566028). ClinVar contains an entry for this variant (Variation ID: 55637). Based on the evidence outlined above, the variant was classified as likely benign.

MGZ Medical Genetics Center
Classification: Benign for Familial cancer of breast. Last evaluated: 2024-02-09. Review status: criteria provided, single submitter. Criteria: CSpec BRCA1/2ACMG Rules Specifications V1.1.0. Collection method: clinical testing. Allele origin: germline. Affected: yes.
Comment: ACMG codes applied following ENIGMA VCEP rules: BP1_STR, BS3, BP5_MOD, PM2_SUP

All of Us Research Program, National Institutes of Health
Classification: Likely benign for Breast-ovarian cancer, familial, susceptibility to, 1. Last evaluated: 2023-12-13. Review status: criteria provided, single submitter. Criteria: ACMG Guidelines, 2015. Collection method: clinical testing. Allele origin: germline. Inheritance: Autosomal dominant inheritance. Observed: 2 variant alleles, 2 heterozygotes.
Comment: This missense variant replaces histidine with leucine at codon 1862 of the BRCA1 protein. Computational prediction suggests that this variant may not impact protein structure and function (internally defined REVEL score threshold <= 0.5, PMID: 27666373). A functional study has reported that this variant does not impact BRCA1 function in homology-directed repair and cisplatin and olaparib sensitivity assays in Brca1-deficient mouse embryonic stem cells (PMID: 32546644). A multifactorial analysis has reported segregation, tumor pathology, co-occurrence and family history likelihood ratios for pathogenicity of 0.6141, 0.4 , 1.0673 and 0.6716, respectively (PMID: 31131967). This variant has been identified in 1/250882 chromosomes in the general population by the Genome Aggregation Database (gnomAD). The available evidence is insufficient to determine the role of this variant in disease conclusively. Therefore, this variant is classified as a Variant of Uncertain Significance.

This study involves interpretation of variants in research participants for the purpose of population health screening. Participant phenotype was not available at the time of variant classification. Additional details can be found in publication PMID: 35346344, PMCID: PMC8962531

Color Diagnostics, LLC DBA Color Health
Classification: Likely benign for Hereditary cancer-predisposing syndrome. Last evaluated: 2023-11-16. Review status: criteria provided, single submitter. Criteria: ACMG Guidelines, 2015. Collection method: clinical testing. Allele origin: germline.

Institute for Clinical Genetics, University Hospital TU Dresden, University Hospital TU Dresden
Classification: Likely benign. Last evaluated: 2021-11-03. Review status: criteria provided, single submitter. Criteria: ACMG Guidelines, 2015. Collection method: clinical testing. Allele origin: germline.

Ambry Genetics
Classification: Likely benign for Hereditary cancer-predisposing syndrome. Last evaluated: 2020-09-24. Review status: criteria provided, single submitter. Criteria: Ambry Variant Classification Scheme 2023. Collection method: clinical testing. Allele origin: germline.

Breast Cancer Information Core (BIC) (BRCA1)
Classification: Uncertain significance for Breast-ovarian cancer, familial 1. Last evaluated: 2003-12-23. Review status: no assertion criteria provided. Collection method: clinical testing. Allele origin: germline. Affected: yes. Observed: 1 variant allele. Not counted in ClinVar's aggregate classification.

Department of Pathology and Laboratory Medicine, Sinai Health System
Classification: Uncertain significance for Malignant tumor of breast. Review status: no assertion criteria provided. Collection method: clinical testing. Allele origin: unknown. Affected: yes. Study: The Canadian Open Genetics Repository (COGR). Not counted in ClinVar's aggregate classification.
Comment: The BRCA1 p.His1862Leu variant was identified in the literature in a study that showed the variant was able to support growth of Brca1â€šÃ„Ã¬null murine cells in a functional complementation assay (Bouwman 2013). The variant was also identified in dbSNP (ID: rs80357183) as "With Uncertain significance allele", ClinVar (classified as uncertain significance by Invitae and BIC), MutDB, LOVD 3.0 (13x), and BIC Database (1x with unknown significance). The variant was not identified in the Cosmic, COGR, UMD-LSDB, ARUP Laboratories, or Zhejiang University databases. The variant was identified in control databases in 1 of 245632 chromosomes at a frequency of 0.000004 (Genome Aggregation Database Feb 27, 2017). The variant was observed in the European population in 1 of 111370 chromosomes (freq: 0.000009), while the variant was not observed in the African, Other, Latino, Ashkenazi Jewish, East Asian, Finnish, or South Asian populations. The p.His1862 residue is not conserved in mammals and four out of five computational analyses (PolyPhen-2, SIFT, AlignGVGD, BLOSUM, MutationTaster) do not suggest a high likelihood of impact to the protein; however, this information is not predictive enough to rule out pathogenicity. The variant occurs outside of the splicing consensus sequence and 1 of 4 in silico or computational prediction software programs (SpliceSiteFinder, MaxEntScan, NNSPLICE, GeneSplicer) predict a greater than 10% difference in splicing; this is not very predictive of pathogenicity. In summary, based on the above information, the clinical significance of this variant cannot be determined with certainty at this time. This variant is classified as a variant of uncertain significance.

Literature cited by the submitters: PubMed 32546644 (cited by 3 submitters); PubMed 38566028 (cited by Women's Health and Genetics/Laboratory Corporation of America, LabCorp); PubMed 31131967 (cited by All of Us Research Program, National Institutes of Health); PubMed 23867111 (cited by Ambry Genetics); PubMed 28781887 (cited by Ambry Genetics).